The following is an entry in ClinVar:

NM_004423.4(DVL3):c.653A>G (p.Lys218Arg)

Gene: DVL3 (dishevelled segment polarity protein 3; plus strand). Cytogenetic location: 3q27.1.
Variant type: single nucleotide variant.
Coding change: c.653A>G on transcript NM_004423.4 (MANE Select); coding-DNA position 653, A replaced by G.
Protein change: p.Lys218Arg; replaces lysine 218 with arginine.
Molecular consequence: missense variant.
Genome position (GRCh38, 1-based): chr3:184,165,166, A>G. VCF-style: chr3-184165166-A-G. GRCh37 (hg19) VCF-style: chr3-183882954-A-G.
Other names: short protein forms K218R.
Identifiers: ClinVar variation 4245679 (VCV004245679.2).

ClinVar aggregate classification (germline): Uncertain significance. Review status: criteria provided, multiple submitters, no conflicts (2 of 4 stars). 2 submissions from 2 submitters: Uncertain significance (2). Last evaluated 2025-08-03.

Conditions:
Inborn genetic diseases. Identifiers: MedGen C0950123, MeSH D030342.

Submissions (2):

Ambry Genetics
Classification: Uncertain significance for Inborn genetic diseases. Last evaluated: 2025-08-03. Review status: criteria provided, single submitter. Criteria: Ambry Variant Classification Scheme 2023. Collection method: clinical testing. Allele origin: germline.

Labcorp Genetics (formerly Invitae), Labcorp
Classification: Uncertain significance. Last evaluated: 2025-07-29. Review status: criteria provided, single submitter. Criteria: Invitae Variant Classification Sherloc (09022015). Collection method: clinical testing. Allele origin: germline.
Comment: This sequence change replaces lysine, which is basic and polar, with arginine, which is basic and polar, at codon 218 of the DVL3 protein (p.Lys218Arg). This variant is present in population databases (rs776536684, gnomAD 0.0009%). This variant has not been reported in the literature in individuals affected with DVL3-related conditions. An algorithm developed to predict the effect of missense changes on protein structure and function (PolyPhen-2) suggests that this variant is likely to be tolerated. In summary, the available evidence is currently insufficient to determine the role of this variant in disease. Therefore, it has been classified as a Variant of Uncertain Significance.